The following is an entry in ClinVar:

ClinVar aggregate classification (germline): Pathogenic (1 of 4 stars; one submission).

Submission:

Labcorp Genetics (formerly Invitae), Labcorp
Classification: Pathogenic. Last evaluated: 2023-06-23. Review status: criteria provided, single submitter. Criteria: Invitae Variant Classification Sherloc (09022015). Collection method: clinical testing. Allele origin: germline.
Comment: For these reasons, this variant has been classified as Pathogenic. This variant has not been reported in the literature in individuals affected with SLC12A6-related conditions. This variant is not present in population databases (gnomAD no frequency). This sequence change creates a premature translational stop signal (p.Gln184Leufs*61) in the SLC12A6 gene. It is expected to result in an absent or disrupted protein product. Loss-of-function variants in SLC12A6 are known to be pathogenic (PMID: 12368912, 16606917).

Literature cited by the submitters: PubMed 12368912; PubMed 16606917.

NM_001365088.1(SLC12A6):c.550_551insT (p.Gln184fs)

Gene: SLC12A6 (solute carrier family 12 member 6; minus strand). Cytogenetic location: 15q14.
Variant type: Insertion.
Coding change: c.550_551insT on transcript NM_001365088.1 (MANE Select); coding-DNA positions 550 to 551, T inserted.
Protein change: p.Gln184fs; shifts the reading frame from glutamine 184.
Molecular consequence: frameshift variant.
Genome position: GRCh38 VCF-style: chr15-34257781-T-TA. GRCh37 (hg19) VCF-style: chr15-34549982-T-TA.
Other names: c.373_374insT, p.Gln125fs (NM_001042494.2, NM_001042495.2); c.523_524insT, p.Gln175fs (NM_001042496.2); c.505_506insT, p.Gln169fs (NM_001042497.2); c.397_398insT, p.Gln133fs (NM_005135.2); c.550_551insT, p.Gln184fs (NM_133647.2); short protein forms Q175fs, Q125fs, Q169fs, Q133fs, Q184fs.
Identifiers: ClinVar variation 2725344 (VCV002725344.3), dbSNP rs2509833034, ClinGen allele CA2575668820.
Genomic context (GRCh38, chr15:34,257,781, plus strand): 5'-AGGATCACTCCAAAAATATTTTGTAGACATGGGAGGTAGACACCCATGAAGGTACCCATT[T>TA]GGGGGGTCTAGAAAGAAAGACATTGATAAAAAATCACACAGTTATCCTAAAGAGAGGTTT-3'